The following is an entry in ClinVar:

NM_021072.4(HCN1):c.1964C>T (p.Thr655Ile)

Gene: HCN1 (hyperpolarization activated cyclic nucleotide gated potassium channel 1; minus strand). Cytogenetic location: 5p12.
Variant type: single nucleotide variant.
Coding change: c.1964C>T on transcript NM_021072.4 (MANE Select); coding-DNA position 1964, C replaced by T.
Protein change: p.Thr655Ile; replaces threonine 655 with isoleucine.
Molecular consequence: missense variant.
Genome position (GRCh38, 1-based): chr5:45,262,630, G>A on the plus strand (C>T on the coding strand, the complement: HCN1 is on the minus strand). VCF-style: chr5-45262630-G-A. GRCh37 (hg19) VCF-style: chr5-45262732-G-A.
Other names: short protein forms T655I.
Identifiers: ClinVar variation 3900884 (VCV003900884.1).

ClinVar aggregate classification (germline): Uncertain significance (1 of 4 stars; one submission).

Submission:

GeneDx
Classification: Uncertain significance. Last evaluated: 2024-11-26. Review status: criteria provided, single submitter. Criteria: GeneDx Variant Classification Process June 2021. Collection method: clinical testing. Allele origin: germline. Affected: yes.
Comment: Not observed at significant frequency in large population cohorts (gnomAD); In silico analysis indicates that this missense variant does not alter protein structure/function; Has not been previously published as pathogenic or benign to our knowledge